The following is an entry in ClinVar:

NM_001365951.3(KIF1B):c.429+3G>C

Genes: KIF1B (kinesin family member 1B; plus strand), LOC129388447 (MPRA-validated peak65 silencer; plus strand). Cytogenetic location: 1p36.22.
Variant type: single nucleotide variant.
Coding change: c.429+3G>C on transcript NM_001365951.3 (MANE Select); 3 bases into the intron after coding-DNA position 429, G replaced by C.
Molecular consequence: intron variant.
Genome position (GRCh38, 1-based): chr1:10,261,973, G>C. VCF-style: chr1-10261973-G-C. GRCh37 (hg19) VCF-style: chr1-10322031-G-C.
Other names: c.429+3G>C (NM_183416.4, NM_015074.3, NM_001365952.1 and 1 more transcripts).
Identifiers: ClinVar variation 1739428 (VCV001739428.2), dbSNP rs2520967991, ClinGen allele CA2580060784.

ClinVar aggregate classification (germline): Uncertain significance (1 of 4 stars; one submission).

Submission:

Ambry Genetics
Classification: Uncertain significance. Last evaluated: 2021-07-30. Review status: criteria provided, single submitter. Criteria: Ambry Variant Classification Scheme 2023. Collection method: clinical testing. Allele origin: germline.
Comment: The c.429+3G>C intronic variant results from a G to C substitution 3 nucleotides after coding exon 4 in the KIF1B gene. This nucleotide position is highly conserved in available vertebrate species. In silico splice site analysis for this alteration is inconclusive. Since supporting evidence is limited at this time, the clinical significance of this alteration remains unclear.